The following is an entry in ClinVar:

ClinVar aggregate classification (germline): Uncertain significance (1 of 4 stars; one submission).

Conditions:
Dystonia 12 (DYT12). Also called: DYT-ATP1A3; Rapid-Onset Dystonia-Parkinsonism (RDP). Identifiers: Orphanet 71517, MedGen C1868681, MONDO:0007496, OMIM 128235.

Submission:

Labcorp Genetics (formerly Invitae), Labcorp
Classification: Uncertain significance for Dystonia 12. Last evaluated: 2022-01-15. Review status: criteria provided, single submitter. Criteria: Invitae Variant Classification Sherloc (09022015). Collection method: clinical testing. Allele origin: germline.
Comment: This variant is not present in population databases (gnomAD no frequency). In summary, the available evidence is currently insufficient to determine the role of this variant in disease. Therefore, it has been classified as a Variant of Uncertain Significance. Advanced modeling of protein sequence and biophysical properties (such as structural, functional, and spatial information, amino acid conservation, physicochemical variation, residue mobility, and thermodynamic stability) performed at Invitae indicates that this missense variant is expected to disrupt ATP1A3 protein function. This variant has not been reported in the literature in individuals affected with ATP1A3-related conditions. This sequence change replaces threonine, which is neutral and polar, with isoleucine, which is neutral and non-polar, at codon 607 of the ATP1A3 protein (p.Thr607Ile).

NM_152296.5(ATP1A3):c.1820C>T (p.Thr607Ile)

Gene: ATP1A3 (ATPase Na+/K+ transporting subunit alpha 3; minus strand). Cytogenetic location: 19q13.2.
Variant type: single nucleotide variant.
Coding change: c.1820C>T on transcript NM_152296.5 (MANE Select); coding-DNA position 1820, C replaced by T.
Protein change: p.Thr607Ile; replaces threonine 607 with isoleucine.
Molecular consequence: missense variant.
Genome position (GRCh38, 1-based): chr19:41,978,059, G>A on the plus strand (C>T on the coding strand, the complement: ATP1A3 is on the minus strand). VCF-style: chr19-41978059-G-A. GRCh37 (hg19) VCF-style: chr19-42482211-G-A.
Other names: c.1853C>T, p.Thr618Ile (NM_001256213.2); c.1859C>T, p.Thr620Ile (NM_001256214.2); short protein forms T620I, T618I, T607I.
Identifiers: ClinVar variation 1464279 (VCV001464279.9), dbSNP rs2145964580, ClinGen allele CA406045268.